The following is an entry in ClinVar:

NM_001370259.2(MEN1):c.1424C>G (p.Ala475Gly)

Gene: MEN1 (menin 1; minus strand). Cytogenetic location: 11q13.1.
Variant type: single nucleotide variant.
Coding change: c.1424C>G on transcript NM_001370259.2 (MANE Select); coding-DNA position 1424, C replaced by G.
Protein change: p.Ala475Gly; replaces alanine 475 with glycine.
Molecular consequence: missense variant.
Genome position (GRCh38, 1-based): chr11:64,804,743, G>C on the plus strand (C>G on the coding strand, the complement: MEN1 is on the minus strand). VCF-style: chr11-64804743-G-C. GRCh37 (hg19) VCF-style: chr11-64572215-G-C.
Other names: c.1439C>G, p.Ala480Gly (NM_000244.4, NM_001407145.1, NM_130800.3 and 4 more transcripts); c.1550C>G, p.Ala517Gly (NM_001370251.2, NM_001407142.1, NM_001407143.1 and 1 more transcripts); c.1424C>G, p.Ala475Gly (NM_001370260.2, NM_001370261.2, NM_001407146.1 and 2 more transcripts); c.1319C>G, p.Ala440Gly (NM_001370262.2, NM_001370263.2, NM_001407148.1 and 1 more transcripts); c.1565C>G, p.Ala522Gly (NM_001407150.1); c.1445C>G, p.Ala482Gly (NM_001407151.1); c.1259C>G, p.Ala420Gly (NM_001407152.1); short protein forms A440G, A480G, A517G, A420G, A522G, A475G, A482G.
Identifiers: ClinVar variation 1993540 (VCV001993540.4), dbSNP rs2136090833, ClinGen allele CA381179397.

ClinVar aggregate classification (germline): Uncertain significance (1 of 4 stars; one submission).

Conditions:
Multiple endocrine neoplasia, type 1 (MEN1). Also called: MEA I; MEN I; WERMER SYNDROME; Endocrine adenomatosis multiple; MEN 1. Identifiers: Orphanet 652, MedGen C0025267, MeSH D018761, MONDO:0007540, OMIM 131100.

Submission:

Labcorp Genetics (formerly Invitae), Labcorp
Classification: Uncertain significance for Multiple endocrine neoplasia, type 1. Last evaluated: 2023-07-16. Review status: criteria provided, single submitter. Criteria: Invitae Variant Classification Sherloc (09022015). Collection method: clinical testing. Allele origin: germline.
Comment: In summary, the available evidence is currently insufficient to determine the role of this variant in disease. Therefore, it has been classified as a Variant of Uncertain Significance. Advanced modeling of protein sequence and biophysical properties (such as structural, functional, and spatial information, amino acid conservation, physicochemical variation, residue mobility, and thermodynamic stability) performed at Invitae indicates that this missense variant is expected to disrupt MEN1 protein function. ClinVar contains an entry for this variant (Variation ID: 1993540). This variant has not been reported in the literature in individuals affected with MEN1-related conditions. This variant is not present in population databases (gnomAD no frequency). This sequence change replaces alanine, which is neutral and non-polar, with glycine, which is neutral and non-polar, at codon 475 of the MEN1 protein (p.Ala475Gly).